The following is an entry in ClinVar:

ClinVar aggregate classification (germline): Likely benign. Review status: criteria provided, multiple submitters, no conflicts (2 of 4 stars). 3 submissions from 3 submitters: Likely benign (3). Last evaluated 2024-06-11.

Conditions:
Hereditary cancer-predisposing syndrome. Also called: Neoplastic Syndromes, Hereditary; Tumor predisposition; Hereditary neoplastic syndrome; Hereditary Cancer Syndrome. Identifiers: Orphanet 140162, MedGen C0027672, MeSH D009386, MONDO:0015356.
Hereditary breast ovarian cancer syndrome. Also called: BRCA1- and BRCA2-Associated Hereditary Breast and Ovarian Cancer; Hereditary breast and/or ovarian cancer syndrome; Hereditary breast and ovarian cancer syndrome (HBOC); Breast and ovarian cancer; Hereditary breast and ovarian cancer; Hereditary breast and ovarian cancer syndrome. Identifiers: Orphanet 145, MedGen C0677776, MeSH D061325, MONDO:0003582. Disease mechanism: loss of function.

Allele frequency attached by ClinVar (database versions not stated): TOPMed below 0.00001.

Submissions (3):

Labcorp Genetics (formerly Invitae), Labcorp
Classification: Likely benign for Hereditary breast ovarian cancer syndrome. Last evaluated: 2024-06-11. Review status: criteria provided, single submitter. Criteria: Invitae Variant Classification Sherloc (09022015). Collection method: clinical testing. Allele origin: germline.

Ambry Genetics
Classification: Likely benign for Hereditary cancer-predisposing syndrome. Last evaluated: 2018-08-29. Review status: criteria provided, single submitter. Criteria: Ambry Variant Classification Scheme 2023. Collection method: clinical testing. Allele origin: germline.

GeneDx
Classification: Likely benign. Last evaluated: 2018-03-28. Review status: criteria provided, single submitter. Criteria: GeneDx Variant Classification (06012015). Collection method: clinical testing. Allele origin: germline. Affected: yes.
Comment: This variant is considered likely benign or benign based on one or more of the following criteria: it is a conservative change, it occurs at a poorly conserved position in the protein, it is predicted to be benign by multiple in silico algorithms, and/or has population frequency not consistent with disease.

NM_000059.4(BRCA2):c.268C>T (p.Leu90=)

Gene: BRCA2 (BRCA2 DNA repair associated; plus strand). Cytogenetic location: 13q13.1.
Variant type: single nucleotide variant.
Coding change: c.268C>T on transcript NM_000059.4 (MANE Select); coding-DNA position 268, C replaced by T.
Protein change: p.Leu90=; no amino-acid change (leucine 90 retained).
Molecular consequence: synonymous variant.
Genome position (GRCh38, 1-based): chr13:32,319,277, C>T. VCF-style: chr13-32319277-C-T. GRCh37 (hg19) VCF-style: chr13-32893414-C-T.
Identifiers: ClinVar variation 681457 (VCV000681457.13), dbSNP rs1593882816, ClinGen allele CA483436169.